The following is an entry in ClinVar:

NM_020680.4(SCYL1):c.1107C>G (p.Leu369=)

Gene: SCYL1 (SCY1 like pseudokinase 1; plus strand). Cytogenetic location: 11q13.1.
Variant type: single nucleotide variant.
Coding change: c.1107C>G on transcript NM_020680.4 (MANE Select); coding-DNA position 1107, C replaced by G.
Protein change: p.Leu369=; no amino-acid change (leucine 369 retained).
Molecular consequence: synonymous variant.
Genome position (GRCh38, 1-based): chr11:65,531,674, C>G. VCF-style: chr11-65531674-C-G. GRCh37 (hg19) VCF-style: chr11-65299145-C-G.
Other names: c.1107C>G, p.Leu369= (NM_001048218.2).
Identifiers: ClinVar variation 798888 (VCV000798888.27), dbSNP rs201554231, ClinGen allele CA6099703.

ClinVar aggregate classification (germline): Likely benign. Review status: criteria provided, multiple submitters, no conflicts (2 of 4 stars). 3 submissions from 3 submitters: Likely benign (3). Last evaluated 2026-08-11.

Conditions:
SCYL1-related disorder. Also called: SCYL1-related condition.

Allele frequency attached by ClinVar (database versions not stated): gnomAD exomes 0.00002 and 0.00010; ExAC 0.00003; gnomAD 0.00009 and 0.00010; TOPMed 0.00010; ESP Exome Variant Server 0.00016.
gnomAD v4.1: 156 of 1,612,790 alleles (0.0097%); highest among the groups gnomAD compares: Non-Finnish European, 0.013%; no homozygotes.

Submissions (3):

PreventionGenetics, part of Exact Sciences
Classification: Likely benign for SCYL1-related condition. Last evaluated: 2026-08-11. Review status: criteria provided, single submitter. Criteria: ACMG Guidelines, 2015. Collection method: clinical testing. Allele origin: germline.
Comment: This variant is classified as likely benign based on ACMG/AMP sequence variant interpretation guidelines (Richards et al. 2015 PMID: 25741868, with internal and published modifications).

CeGaT Center for Human Genetics Tuebingen
Classification: Likely benign. Last evaluated: 2024-01-01. Review status: criteria provided, single submitter. Criteria: CeGaT Center For Human Genetics Tuebingen Variant Classification Criteria Version 2. Collection method: clinical testing. Allele origin: germline. Affected: yes. Observed: 1 variant allele.
Comment: SCYL1: BP4, BP7

Labcorp Genetics (formerly Invitae), Labcorp
Classification: Likely benign. Last evaluated: 2019-12-31. Review status: criteria provided, single submitter. Criteria: Invitae Variant Classification Sherloc (09022015). Collection method: clinical testing. Allele origin: germline.